The following is an entry in ClinVar:

ClinVar aggregate classification (germline): Likely pathogenic (1 of 4 stars; one submission).

Conditions:
Thrombophilia due to protein C deficiency, autosomal dominant. Also called: PROC DEFICIENCY, AUTOSOMAL DOMINANT; PROTEIN C DEFICIENCY, AUTOSOMAL DOMINANT. Identifiers: Orphanet 745, MedGen C2674321, MONDO:0008316, OMIM 176860. Disease mechanism: loss of function.

gnomAD v4.1: 1 of 1,613,718 alleles (0.000062%); highest among the groups gnomAD compares: African/African-American, 0.0013%; no homozygotes.

Submission:

KardioGenetik, Herz- und Diabeteszentrum NRW
Classification: Likely pathogenic for Thrombophilia due to protein C deficiency, autosomal dominant. Last evaluated: 2025-10-28. Review status: criteria provided, single submitter. Criteria: ACMG Guidelines, 2015. Collection method: clinical testing. Allele origin: unknown. Affected: yes. Observed: 1 variant allele.
Comment: Evidence supporting the pathogenicity of the variant includes its absence from population cohorts in the gnomAD database, as well as the bioinformatic meta-prediction by the REVEL tool, which classifies the amino acid substitution Cys387Tyr as clearly deleterious. In the Human Gene Mutation Database (HGMD), the variant is listed as disease-causing for protein C deficiency (PMID 28607330). Furthermore, a clustering of pathogenic variants has been observed in exon 9 — the region encoding the catalytic domain. A possible alteration in protein stability resulting from the loss of disulfide bonds due to substitution of the cysteine residue at position 387 is also discussed. (PM1, PM2_supporting, PP3_moderate, PP4)

Literature cited by the submitters: PubMed 28607330.

NM_000312.4(PROC):c.1160G>A (p.Cys387Tyr)

Gene: PROC (protein C, inactivator of coagulation factors Va and VIIIa; plus strand). Cytogenetic location: 2q14.3.
Variant type: single nucleotide variant.
Coding change: c.1160G>A on transcript NM_000312.4 (MANE Select); coding-DNA position 1160, G replaced by A.
Protein change: p.Cys387Tyr; replaces cysteine 387 with tyrosine.
Molecular consequence: missense variant.
Genome position (GRCh38, 1-based): chr2:127,428,720, G>A. VCF-style: chr2-127428720-G-A. GRCh37 (hg19) VCF-style: chr2-128186296-G-A.
Other names: c.1160G>A, p.Cys387Tyr (NM_001375613.1, NM_001375611.1); c.1343G>A, p.Cys448Tyr (NM_001375602.1); c.1325G>A, p.Cys442Tyr (NM_001375603.1); c.1103G>A, p.Cys368Tyr (NM_001375608.1); c.1136G>A, p.Cys379Tyr (NM_001375609.1); c.1154G>A, p.Cys385Tyr (NM_001375610.1); c.1223G>A, p.Cys408Tyr (NM_001375604.1); c.1262G>A, p.Cys421Tyr (NM_001375605.1); and 2 more; short protein forms C368Y, C379Y, C385Y, C387Y, C408Y, C421Y, C442Y, C443Y.
Identifiers: ClinVar variation 4530635 (VCV004530635.1).